The following is an entry in ClinVar:

ClinVar aggregate classification (germline): Uncertain significance. Review status: criteria provided, multiple submitters, no conflicts (2 of 4 stars). 2 submissions from 2 submitters: Uncertain significance (2). Last evaluated 2023-08-10.

gnomAD v4.1: 15 of 1,614,234 alleles (0.00093%); highest among the groups gnomAD compares: Non-Finnish European, 0.00093%; no homozygotes.

Submissions (2):

Labcorp Genetics (formerly Invitae), Labcorp
Classification: Uncertain significance. Last evaluated: 2023-08-10. Review status: criteria provided, single submitter. Criteria: Invitae Variant Classification Sherloc (09022015). Collection method: clinical testing. Allele origin: germline.
Comment: This sequence change replaces proline, which is neutral and non-polar, with serine, which is neutral and polar, at codon 393 of the TNFAIP3 protein (p.Pro393Ser). This variant is not present in population databases (gnomAD no frequency). This variant has not been reported in the literature in individuals affected with TNFAIP3-related conditions. Advanced modeling of protein sequence and biophysical properties (such as structural, functional, and spatial information, amino acid conservation, physicochemical variation, residue mobility, and thermodynamic stability) performed at Invitae indicates that this missense variant is not expected to disrupt TNFAIP3 protein function. In summary, the available evidence is currently insufficient to determine the role of this variant in disease. Therefore, it has been classified as a Variant of Uncertain Significance.

Blueprint Genetics
Classification: Uncertain significance. Last evaluated: 2022-07-07. Review status: criteria provided, single submitter. Criteria: ACMG Guidelines, 2015. Collection method: clinical testing. Allele origin: germline.

NM_001270508.2(TNFAIP3):c.1177C>T (p.Pro393Ser)

Gene: TNFAIP3 (TNF alpha induced protein 3; plus strand). Cytogenetic location: 6q23.3.
Variant type: single nucleotide variant.
Coding change: c.1177C>T on transcript NM_001270508.2 (MANE Select); coding-DNA position 1177, C replaced by T.
Protein change: p.Pro393Ser; replaces proline 393 with serine.
Molecular consequence: missense variant.
Genome position (GRCh38, 1-based): chr6:137,878,622, C>T. VCF-style: chr6-137878622-C-T. GRCh37 (hg19) VCF-style: chr6-138199759-C-T.
Other names: c.1177C>T, p.Pro393Ser (NM_001270507.2, NM_006290.4); short protein forms P393S.
Identifiers: ClinVar variation 2783216 (VCV002783216.4), dbSNP rs1213621768, ClinGen allele CA365788861.